The following is an entry in ClinVar:

ClinVar aggregate classification (germline): Pathogenic (1 of 4 stars; one submission).

Conditions:
Fanconi anemia (FA). Also called: Fanconi's anemia. Identifiers: Orphanet 84, MedGen C0015625, MeSH D005199, MONDO:0019391.

gnomAD v4.1: 1 of 1,614,190 alleles (0.000062%); highest among the groups gnomAD compares: East Asian, 0.0022%; no homozygotes.

Submission:

Labcorp Genetics (formerly Invitae), Labcorp
Classification: Pathogenic for Fanconi anemia. Last evaluated: 2024-12-02. Review status: criteria provided, single submitter. Criteria: Invitae Variant Classification Sherloc (09022015). Collection method: clinical testing. Allele origin: germline.
Comment: This sequence change creates a premature translational stop signal (p.Trp900*) in the SLX4 gene. It is expected to result in an absent or disrupted protein product. Loss-of-function variants in SLX4 are known to be pathogenic (PMID: 21240277). This variant is not present in population databases (gnomAD no frequency). This variant has not been reported in the literature in individuals affected with SLX4-related conditions. For these reasons, this variant has been classified as Pathogenic.

Literature cited by the submitters: PubMed 21240277.

NM_032444.4(SLX4):c.2699G>A (p.Trp900Ter)

Gene: SLX4 (SLX4 structure-specific endonuclease subunit; minus strand). Cytogenetic location: 16p13.3.
Variant type: single nucleotide variant.
Coding change: c.2699G>A on transcript NM_032444.4 (MANE Select); coding-DNA position 2699, G replaced by A.
Protein change: p.Trp900Ter; replaces tryptophan 900 with a stop codon.
Molecular consequence: nonsense.
Genome position (GRCh38, 1-based): chr16:3,590,939, C>T on the plus strand (G>A on the coding strand, the complement: SLX4 is on the minus strand). VCF-style: chr16-3590939-C-T. GRCh37 (hg19) VCF-style: chr16-3640940-C-T.
Other names: short protein forms W900*.
Identifiers: ClinVar variation 3646486 (VCV003646486.2).